The following is an entry in ClinVar:

NM_000355.4(TCN2):c.680G>A (p.Arg227Gln)

Gene: TCN2 (transcobalamin 2; plus strand). Cytogenetic location: 22q12.2.
Variant type: single nucleotide variant.
Coding change: c.680G>A on transcript NM_000355.4 (MANE Select); coding-DNA position 680, G replaced by A.
Protein change: p.Arg227Gln; replaces arginine 227 with glutamine.
Molecular consequence: missense variant.
Genome position (GRCh38, 1-based): chr22:30,615,400, G>A. VCF-style: chr22-30615400-G-A. GRCh37 (hg19) VCF-style: chr22-31011387-G-A.
Other names: c.599G>A, p.Arg200Gln (NM_001184726.2); short protein forms R200Q, R227Q.
Identifiers: ClinVar variation 1488085 (VCV001488085.6), dbSNP rs17849434, ClinGen allele CA10184772.

ClinVar aggregate classification (germline): Uncertain significance (1 of 4 stars; one submission).

Conditions:
Transcobalamin II deficiency (TCN2D). Also called: TC II DEFICIENCY; TCN2 DEFICIENCY; Transcolabamin II deficiency. Identifiers: Orphanet 859, MedGen C0342701, MONDO:0010149, OMIM 275350.

Submission:

Labcorp Genetics (formerly Invitae), Labcorp
Classification: Uncertain significance for Transcobalamin II deficiency. Last evaluated: 2025-12-08. Review status: criteria provided, single submitter. Criteria: Invitae Variant Classification Sherloc (09022015). Collection method: clinical testing. Allele origin: germline.
Comment: This sequence change replaces arginine, which is basic and polar, with glutamine, which is neutral and polar, at codon 227 of the TCN2 protein (p.Arg227Gln). This variant is present in population databases (rs17849434, gnomAD 0.003%). This variant has not been reported in the literature in individuals affected with TCN2-related conditions. ClinVar contains an entry for this variant (Variation ID: 1488085). Invitae Evidence Modeling of protein sequence and biophysical properties (such as structural, functional, and spatial information, amino acid conservation, physicochemical variation, residue mobility, and thermodynamic stability) indicates that this missense variant is not expected to disrupt TCN2 protein function with a negative predictive value of 80%. In summary, the available evidence is currently insufficient to determine the role of this variant in disease. Therefore, it has been classified as a Variant of Uncertain Significance.